The following is an entry in ClinVar:

ClinVar aggregate classification (germline): Benign/Likely benign. Review status: criteria provided, multiple submitters, no conflicts (2 of 4 stars). 26 submissions from 19 submitters: Benign (16); Likely benign (5). 5 of the submissions do not count toward it. Last evaluated 2026-02-03.

Conditions:
Cardiovascular phenotype. Identifiers: MedGen CN230736.
Dilated cardiomyopathy 1G (CMD1G). Identifiers: Orphanet 154, MedGen C1858763, MONDO:0011400, OMIM 604145.
Autosomal recessive limb-girdle muscular dystrophy type 2J (LGMDR10). Also called: MUSCULAR DYSTROPHY, LIMB-GIRDLE, AUTOSOMAL RECESSIVE 10; Limb-girdle muscular dystrophy, type 2J. Identifiers: Orphanet 140922, MedGen C1837342, MONDO:0012127, OMIM 608807.
Cardiomyopathy (CMYO). Also called: Cardiomyopathies. Identifiers: Orphanet 167848, MedGen C0878544, MONDO:0004994, HP:0001638. Inheritance: Various modes of inheritance.
Early-onset myopathy with fatal cardiomyopathy (CMYO5). Also called: CONGENITAL MYOPATHY 5 WITH CARDIOMYOPATHY; Salih Myopathy. Identifiers: Orphanet 289377, MedGen C2673677, MONDO:0012714, OMIM 611705. Disease mechanism: loss of function.
Myopathy, myofibrillar, 9, with early respiratory failure (MFM9). Also called: Myopathy, distal, with early respiratory failure, autosomal dominant; Hereditary myopathy with early respiratory failure; MYOPATHY, PROXIMAL, WITH EARLY RESPIRATORY MUSCLE INVOLVEMENT; EDSTROM MYOPATHY. Identifiers: Orphanet 178464, Orphanet 34521, MedGen C1863599, MONDO:0011362, OMIM 603689.
Tibial muscular dystrophy (TMD). Also called: Udd Distal Myopathy – Tibial Muscular Dystrophy; Tibial muscular dystrophy, tardive; UDD MYOPATHY. Identifiers: Orphanet 609, MedGen C1838244, MONDO:0010870, OMIM 600334.

Allele frequency attached by ClinVar (database versions not stated): gnomAD 0.01015 and 0.01096; gnomAD exomes 0.00253; ExAC 0.00309; ESP Exome Variant Server 0.01043; 1000 Genomes Project 0.01058; TOPMed 0.01188; 1000 Genomes Project 30x 0.00968.

Submissions (26):

Labcorp Genetics (formerly Invitae), Labcorp
Classification: Benign for Dilated cardiomyopathy 1G; Autosomal recessive limb-girdle muscular dystrophy type 2J. Last evaluated: 2026-02-03. Review status: criteria provided, single submitter. Criteria: Invitae Variant Classification Sherloc (09022015). Collection method: clinical testing. Allele origin: germline.

ARUP Laboratories, Molecular Genetics and Genomics, ARUP Laboratories
Classification: Benign. Last evaluated: 2025-06-25. Review status: criteria provided, single submitter. Criteria: ARUP Molecular Germline Variant Investigation Process 2024. Collection method: clinical testing. Allele origin: germline.

Molecular Diagnostic Laboratory for Inherited Cardiovascular Disease, Montreal Heart Institute
Classification: Likely benign. Last evaluated: 2025-04-09. Review status: criteria provided, single submitter. Criteria: ACMG Guidelines, 2015. Collection method: clinical testing. Allele origin: germline. Affected: no.

Mayo Clinic Laboratories, Mayo Clinic
Classification: Benign. Last evaluated: 2023-11-06. Review status: criteria provided, single submitter. Criteria: ACMG Guidelines, 2015. Collection method: clinical testing. Allele origin: germline. Observed: 19 variant alleles.

CHEO Genetics Diagnostic Laboratory, Children's Hospital of Eastern Ontario
Classification: Benign for Cardiomyopathy. Last evaluated: 2023-05-16. Review status: criteria provided, single submitter. Criteria: ACMG Guidelines, 2015. Collection method: clinical testing. Allele origin: germline. Study: Canadian Open Genetics Repository.

Genome-Nilou Lab
Classification: Benign for Autosomal recessive limb-girdle muscular dystrophy type 2J. Last evaluated: 2021-09-10. Review status: criteria provided, single submitter. Criteria: ACMG Guidelines, 2015. Collection method: clinical testing. Allele origin: germline. Affected: no.

Genome-Nilou Lab
Classification: Benign for Myopathy, myofibrillar, 9, with early respiratory failure. Last evaluated: 2021-09-10. Review status: criteria provided, single submitter. Criteria: ACMG Guidelines, 2015. Collection method: clinical testing. Allele origin: germline. Affected: no.

Genome-Nilou Lab
Classification: Benign for Early-onset myopathy with fatal cardiomyopathy. Last evaluated: 2021-09-10. Review status: criteria provided, single submitter. Criteria: ACMG Guidelines, 2015. Collection method: clinical testing. Allele origin: germline. Affected: no.

Genome-Nilou Lab
Classification: Benign for Tibial muscular dystrophy. Last evaluated: 2021-09-10. Review status: criteria provided, single submitter. Criteria: ACMG Guidelines, 2015. Collection method: clinical testing. Allele origin: germline. Affected: no.

Women's Health and Genetics/Laboratory Corporation of America, LabCorp
Classification: Likely benign. Last evaluated: 2020-02-01. Review status: criteria provided, single submitter. Criteria: LabCorp Variant Classification Summary - May 2015. Collection method: clinical testing. Allele origin: germline.

Athena Diagnostics
Classification: Benign. Last evaluated: 2019-05-10. Review status: criteria provided, single submitter. Criteria: Athena Diagnostics Criteria. Collection method: clinical testing. Allele origin: germline.

Illumina Laboratory Services, Illumina
Classification: Benign for Tibial muscular dystrophy. Last evaluated: 2018-01-13. Review status: criteria provided, single submitter. Criteria: ICSL Variant Classification Criteria 13 December 2019. Collection method: clinical testing. Allele origin: germline.
Comment: This variant was observed in the ICSL laboratory as part of a predisposition screen in an ostensibly healthy population. It had not been previously curated by ICSL or reported in the Human Gene Mutation Database (HGMD: prior to June 1st, 2018), and was therefore a candidate for classification through an automated scoring system. Utilizing variant allele frequency, disease prevalence and penetrance estimates, and inheritance mode, an automated score was calculated to assess if this variant is too frequent to cause the disease. Based on the score and internal cut-off values, a variant classified as benign is not then subjected to further curation. The score for this variant resulted in a classification of benign for this disease.

Illumina Laboratory Services, Illumina
Classification: Benign for Myopathy, myofibrillar, 9, with early respiratory failure. Last evaluated: 2018-01-13. Review status: criteria provided, single submitter. Criteria: ICSL Variant Classification Criteria 13 December 2019. Collection method: clinical testing. Allele origin: germline.
Comment: the same text as in the submission from Illumina Laboratory Services, Illumina above.

Illumina Laboratory Services, Illumina
Classification: Benign for Early-onset myopathy with fatal cardiomyopathy. Last evaluated: 2018-01-13. Review status: criteria provided, single submitter. Criteria: ICSL Variant Classification Criteria 13 December 2019. Collection method: clinical testing. Allele origin: germline.
Comment: the same text as in the submission from Illumina Laboratory Services, Illumina above.

Illumina Laboratory Services, Illumina
Classification: Likely benign for Autosomal recessive limb-girdle muscular dystrophy type 2J. Last evaluated: 2018-01-13. Review status: criteria provided, single submitter. Criteria: ICSL Variant Classification Criteria 13 December 2019. Collection method: clinical testing. Allele origin: germline.
Comment: This variant was observed in the ICSL laboratory as part of a predisposition screen in an ostensibly healthy population. It had not been previously curated by ICSL or reported in the Human Gene Mutation Database (HGMD: prior to June 1st, 2018), and was therefore a candidate for classification through an automated scoring system. Utilizing variant allele frequency, disease prevalence and penetrance estimates, and inheritance mode, an automated score was calculated to assess if this variant is too frequent to cause the disease. Based on the score and internal cut-off values, a variant classified as likely benign is not then subjected to further curation. The score for this variant resulted in a classification of likely benign for this disease.

Illumina Laboratory Services, Illumina
Classification: Likely benign for Dilated cardiomyopathy 1G. Last evaluated: 2018-01-13. Review status: criteria provided, single submitter. Criteria: ICSL Variant Classification Criteria 13 December 2019. Collection method: clinical testing. Allele origin: germline.
Comment: the same text as in the submission from Illumina Laboratory Services, Illumina above.

Ambry Genetics
Classification: Benign for Cardiovascular phenotype. Last evaluated: 2015-09-09. Review status: criteria provided, single submitter. Criteria: Ambry Variant Classification Scheme 2023. Collection method: clinical testing. Allele origin: germline.

GeneDx
Classification: Benign. Last evaluated: 2014-04-30. Review status: criteria provided, single submitter. Criteria: GeneDx Variant Classification (06012015). Collection method: clinical testing. Allele origin: germline. Affected: yes.
Comment: This variant is considered likely benign or benign based on one or more of the following criteria: it is a conservative change, it occurs at a poorly conserved position in the protein, it is predicted to be benign by multiple in silico algorithms, and/or has population frequency not consistent with disease.

Biesecker Lab/Clinical Genomics Section, National Institutes of Health
Classification: Benign. Last evaluated: 2013-06-24. Review status: criteria provided, single submitter. Criteria: Ng et al. (Circ Cardiovasc Genet. 2013). Collection method: research. Allele origin: unknown. Observed: 1 variant allele. Study: ClinSeq.
Comment: The study set was not selected for affection status in relation to any cancer. Pathogenicity categories were based on literature curation. See Pubmed ID:23861362 for details.

Medical sequencing

Laboratory for Molecular Medicine, Mass General Brigham Personalized Medicine
Classification: Benign. Last evaluated: 2012-08-14. Review status: criteria provided, single submitter. Criteria: LMM Criteria. Collection method: clinical testing. Allele origin: germline. Observed: 18 variant alleles.
Comment: Ile27205Leu in Exon 283 of TTN: This variant is not expected to have clinical si gnificance because it has been identified in 3.0% (100/3332) of African American chromosomes from a broad population by the NHLBI Exome Sequencing Project (dbSNP rs77853750).

Breakthrough Genomics
Classification: Likely benign. Review status: criteria provided, single submitter. Criteria: ACMG Guidelines, 2015. Collection method: not provided. Allele origin: germline. Inheritance: Autosomal recessive inheritance. Affected: yes.

Clinical Genetics DNA and cytogenetics Diagnostics Lab, Erasmus MC, Erasmus Medical Center
Classification: Benign. Review status: no assertion criteria provided. Collection method: clinical testing. Allele origin: germline. Affected: yes. Study: VKGL Data-share Consensus. Not counted in ClinVar's aggregate classification.

Clinical Genetics, Academic Medical Center
Classification: Benign. Review status: no assertion criteria provided. Collection method: clinical testing. Allele origin: germline. Affected: yes. Study: VKGL Data-share Consensus. Not counted in ClinVar's aggregate classification.

Diagnostic Laboratory, Department of Genetics, University Medical Center Groningen
Classification: Likely benign. Review status: no assertion criteria provided. Collection method: clinical testing. Allele origin: germline. Affected: yes. Study: VKGL Data-share Consensus. Not counted in ClinVar's aggregate classification.

Genetic Services Laboratory, University of Chicago
Classification: Likely benign for AllHighlyPenetrant. Review status: no assertion criteria provided. Collection method: clinical testing. Allele origin: germline. Not counted in ClinVar's aggregate classification.
Comment: Likely benign based on allele frequency in 1000 Genomes Project or ESP global frequency and its presence in a patient with a rare or unrelated disease phenotype. NOT Sanger confirmed.

Joint Genome Diagnostic Labs from Nijmegen and Maastricht, Radboudumc and MUMC+
Classification: Benign. Review status: no assertion criteria provided. Collection method: clinical testing. Allele origin: germline. Affected: yes. Study: VKGL Data-share Consensus. Not counted in ClinVar's aggregate classification.

NM_001267550.2(TTN):c.89317A>T (p.Ile29773Leu)

Genes: TTN (titin; minus strand), TTN-AS1 (TTN antisense RNA 1; plus strand). Cytogenetic location: 2q31.2.
Variant type: single nucleotide variant.
Coding change: c.89317A>T on transcript NM_001267550.2 (MANE Select); coding-DNA position 89317, A replaced by T.
Protein change: p.Ile29773Leu; replaces isoleucine 29773 with leucine.
Molecular consequence: missense variant.
Genome position (GRCh38, 1-based): chr2:178,553,688, T>A on the plus strand (A>T on the coding strand, the complement: TTN is on the minus strand). VCF-style: chr2-178553688-T-A. GRCh37 (hg19) VCF-style: chr2-179418415-T-A.
Other names: p.I28132L:ATA>TTA; c.62122A>T, p.Ile20708Leu (NM_003319.4); c.81613A>T, p.Ile27205Leu (NM_133378.4); c.62497A>T, p.Ile20833Leu (NM_133432.3); c.62698A>T, p.Ile20900Leu (NM_133437.4); c.84394A>T, p.Ile28132Leu (NM_001256850.1); short protein forms I29773L, I27205L, I28132L, I20708L, I20833L, I20900L.
Identifiers: ClinVar variation 47488 (VCV000047488.46), dbSNP rs77853750, ClinGen allele CA284005.
Genomic context (GRCh38, chr2:178,553,688, plus strand): 5'-TAGTTCTGACCTCTCCTTTGGTAGAGACAGTAGTCCATTCCTCTTCCTCTCCTTGTCTTA[T>A]CTCGACAACATACCCAGTAACAGCACTGCCCCCATCATAGACAGGCTTACTCCAGCCAAG-3'
Protein context (NP_001254479.2, residues 29763-29783): GSAVTGYVVE[Ile29773Leu]RQGEEEEWTT